The following is an entry in ClinVar:

NM_201384.3(PLEC):c.6176A>G (p.Gln2059Arg)

Gene: PLEC (plectin; minus strand). Cytogenetic location: 8q24.3.
Variant type: single nucleotide variant.
Coding change: c.6176A>G on transcript NM_201384.3 (MANE Select); coding-DNA position 6176, A replaced by G.
Protein change: p.Gln2059Arg; replaces glutamine 2059 with arginine.
Molecular consequence: missense variant. On other transcripts: intron variant (1).
Genome position (GRCh38, 1-based): chr8:143,923,753, T>C on the plus strand (A>G on the coding strand, the complement: PLEC is on the minus strand). VCF-style: chr8-143923753-T-C. GRCh37 (hg19) VCF-style: chr8-144997921-T-C.
Other names: c.6257A>G, p.Gln2086Arg (NM_000445.5); c.6134A>G, p.Gln2045Arg (NM_201378.4); c.6110A>G, p.Gln2037Arg (NM_201379.3); c.6587A>G, p.Gln2196Arg (NM_201380.4); c.6080A>G, p.Gln2027Arg (NM_201381.3); c.6176A>G, p.Gln2059Arg (NM_201382.4); c.6188A>G, p.Gln2063Arg (NM_201383.3); c.4126-1358A>G (NM_001410941.1); short protein forms Q2037R, Q2045R, Q2059R, Q2063R, Q2086R, Q2027R, Q2196R.
Identifiers: ClinVar variation 2954290 (VCV002954290.3), dbSNP rs2537790691, ClinGen allele CA372538395.

ClinVar aggregate classification (germline): Uncertain significance (1 of 4 stars; one submission).

Conditions:
Epidermolysis bullosa simplex with nail dystrophy (EBS5D). Identifiers: MedGen C4225309, MONDO:0014661, OMIM 616487.
Autosomal recessive limb-girdle muscular dystrophy type 2Q (LGMDR17). Also called: MUSCULAR DYSTROPHY, LIMB-GIRDLE, AUTOSOMAL RECESSIVE 17. Identifiers: Orphanet 254361, MedGen C3150989, MONDO:0013390, OMIM 613723.
Epidermolysis bullosa simplex 5C, with pyloric atresia (EBS5C). Also called: PLEC1-Related Epidermolysis Bullosa with Pyloric Atresia; PLEC-Related Epidermolysis Bullosa with Pyloric Atresia; Epidermolysis bullosa simplex with pyloric atresia. Identifiers: Orphanet 158684, MedGen C2677349, MONDO:0012807, OMIM 612138.
Epidermolysis bullosa simplex 5B, with muscular dystrophy (EBS5B). Also called: Epidermolysis bullosa simplex with muscular dystrophy; EPIDERMOLYSIS BULLOSA SIMPLEX AND LIMB-GIRDLE MUSCULAR DYSTROPHY. Identifiers: Orphanet 257, MedGen C2931072, MONDO:0009181, OMIM 226670.
Epidermolysis bullosa simplex, Ogna type (EBS5A). Also called: EPIDERMOLYSIS BULLOSA SIMPLEX 5A, OGNA TYPE; Pidermolysis bullosa simplex 5A, Ogna type. Identifiers: Orphanet 79401, MedGen C0432317, MONDO:0007555, OMIM 131950.

Submission:

Labcorp Genetics (formerly Invitae), Labcorp
Classification: Uncertain significance for Autosomal recessive limb-girdle muscular dystrophy type 2Q; Epidermolysis bullosa simplex, Ogna type; Epidermolysis bullosa simplex with nail dystrophy; Epidermolysis bullosa simplex 5C, with pyloric atresia; Epidermolysis bullosa simplex 5B, with muscular dystrophy. Last evaluated: 2023-11-28. Review status: criteria provided, single submitter. Criteria: Invitae Variant Classification Sherloc (09022015). Collection method: clinical testing. Allele origin: germline.
Comment: This sequence change replaces glutamine, which is neutral and polar, with arginine, which is basic and polar, at codon 2086 of the PLEC protein (p.Gln2086Arg). This variant is not present in population databases (gnomAD no frequency). This variant has not been reported in the literature in individuals affected with PLEC-related conditions. Algorithms developed to predict the effect of missense changes on protein structure and function output the following: SIFT: "Not Available"; PolyPhen-2: "Benign"; Align-GVGD: "Not Available". The arginine amino acid residue is found in multiple mammalian species, which suggests that this missense change does not adversely affect protein function. In summary, the available evidence is currently insufficient to determine the role of this variant in disease. Therefore, it has been classified as a Variant of Uncertain Significance.